The following is an entry in ClinVar:

NM_012338.4(TSPAN12):c.505T>A (p.Leu169Met)

Gene: TSPAN12 (tetraspanin 12; minus strand). Cytogenetic location: 7q31.31.
Variant type: single nucleotide variant.
Coding change: c.505T>A on transcript NM_012338.4 (MANE Select); coding-DNA position 505, T replaced by A.
Protein change: p.Leu169Met; replaces leucine 169 with methionine.
Molecular consequence: missense variant.
Genome position (GRCh38, 1-based): chr7:120,806,656, A>T on the plus strand (T>A on the coding strand, the complement: TSPAN12 is on the minus strand). VCF-style: chr7-120806656-A-T. GRCh37 (hg19) VCF-style: chr7-120446710-A-T.
Other names: short protein forms L169M.
Identifiers: ClinVar variation 3618750 (VCV003618750.2).

ClinVar aggregate classification (germline): Uncertain significance (1 of 4 stars; one submission).

gnomAD v4.1: 11 of 1,613,484 alleles (0.00068%); highest among the groups gnomAD compares: Non-Finnish European, 0.00093%; no homozygotes.

Submission:

Labcorp Genetics (formerly Invitae), Labcorp
Classification: Uncertain significance. Last evaluated: 2024-04-15. Review status: criteria provided, single submitter. Criteria: Invitae Variant Classification Sherloc (09022015). Collection method: clinical testing. Allele origin: germline.
Comment: This sequence change replaces leucine, which is neutral and non-polar, with methionine, which is neutral and non-polar, at codon 169 of the TSPAN12 protein (p.Leu169Met). This variant is present in population databases (rs763289435, gnomAD 0.0009%). This variant has not been reported in the literature in individuals affected with TSPAN12-related conditions. Advanced modeling of protein sequence and biophysical properties (such as structural, functional, and spatial information, amino acid conservation, physicochemical variation, residue mobility, and thermodynamic stability) performed at Invitae indicates that this missense variant is not expected to disrupt TSPAN12 protein function with a negative predictive value of 80%. In summary, the available evidence is currently insufficient to determine the role of this variant in disease. Therefore, it has been classified as a Variant of Uncertain Significance.